The following is an entry in ClinVar:

ClinVar aggregate classification (germline): Conflicting classifications of pathogenicity. Review status: criteria provided, conflicting classifications (1 of 4 stars). 2 submissions from 2 submitters: Uncertain significance (1); Likely benign (1). Last evaluated 2024-07-25.

Conditions:
Hereditary cancer-predisposing syndrome. Also called: Neoplastic Syndromes, Hereditary; Hereditary neoplastic syndrome; Tumor predisposition; Hereditary Cancer Syndrome. Identifiers: Orphanet 140162, MedGen C0027672, MeSH D009386, MONDO:0015356.
Juvenile polyposis syndrome (JPS). Identifiers: Orphanet 2929, MedGen C0345893, MONDO:0017380, OMIM 174900.

Submissions (2):

Ambry Genetics
Classification: Likely benign for Hereditary cancer-predisposing syndrome. Last evaluated: 2024-07-25. Review status: criteria provided, single submitter. Criteria: Ambry Variant Classification Scheme 2023. Collection method: clinical testing. Allele origin: germline.

Labcorp Genetics (formerly Invitae), Labcorp
Classification: Uncertain significance for Juvenile polyposis syndrome. Last evaluated: 2017-09-04. Review status: criteria provided, single submitter. Criteria: Invitae Variant Classification Sherloc (09022015). Collection method: clinical testing. Allele origin: germline.
Comment: In summary, the available evidence is currently insufficient to determine the role of this variant in disease. Therefore, it has been classified as a Variant of Uncertain Significance. Algorithms developed to predict the effect of missense changes on protein structure and function (SIFT, PolyPhen-2, Align-GVGD) all suggest that this variant is likely to be tolerated, but these predictions have not been confirmed by published functional studies and their clinical significance is uncertain. This variant has not been reported in the literature in individuals with BMPR1A-related disease. This variant is not present in population databases (ExAC no frequency). This sequence change replaces aspartic acid with asparagine at codon 414 of the BMPR1A protein (p.Asp414Asn). The aspartic acid residue is moderately conserved and there is a small physicochemical difference between aspartic acid and asparagine.

NM_004329.3(BMPR1A):c.1240G>A (p.Asp414Asn)

Gene: BMPR1A (bone morphogenetic protein receptor type 1A; plus strand). Cytogenetic location: 10q23.2.
Variant type: single nucleotide variant.
Coding change: c.1240G>A on transcript NM_004329.3 (MANE Select); coding-DNA position 1240, G replaced by A.
Protein change: p.Asp414Asn; replaces aspartic acid 414 with asparagine.
Molecular consequence: missense variant.
Genome position (GRCh38, 1-based): chr10:86,921,593, G>A. VCF-style: chr10-86921593-G-A. GRCh37 (hg19) VCF-style: chr10-88681350-G-A.
Other names: short protein forms D414N.
Identifiers: ClinVar variation 529923 (VCV000529923.15), dbSNP rs1554891329, ClinGen allele CA377462064.
Genomic context (GRCh38, chr10:86,921,593, plus strand): 5'-GTTGATGTGCCCTTGAATACCAGGGTGGGCACCAAACGCTACATGGCTCCCGAAGTGCTG[G>A]ACGAAAGCCTGAACAAAAACCACTTCCAGCCCTACATCATGGCTGACATCTACAGCTTCG-3'
Protein context (NP_004320.2, residues 404-424): TKRYMAPEVL[Asp414Asn]ESLNKNHFQP